The following is an entry in ClinVar:

ClinVar aggregate classification (germline): Pathogenic (1 of 4 stars; one submission).

Conditions:
Duchenne muscular dystrophy (DMD). Also called: MUSCULAR DYSTROPHY, PSEUDOHYPERTROPHIC PROGRESSIVE, DUCHENNE TYPE; Duchenne Muscular Dystrophy (DMD). Identifiers: Orphanet 98896, MedGen C0013264, MONDO:0010679, OMIM 310200.

Submission:

Labcorp Genetics (formerly Invitae), Labcorp
Classification: Pathogenic for Duchenne muscular dystrophy. Last evaluated: 2020-10-13. Review status: criteria provided, single submitter. Criteria: Invitae Variant Classification Sherloc (09022015). Collection method: clinical testing. Allele origin: germline.
Comment: This variant is an in-frame deletion of the genomic region encompassing exons 2-7 of the DMD gene. It preserves the integrity of the reading frame. Similar deletions of exons 2-7 have been observed in several individuals affected with dystrophinopathy (PMID: 11185740, 20031633, 2063877). For these reasons, this variant has been classified as Pathogenic.

Literature cited by the submitters: PubMed 11185740; PubMed 20031633; PubMed 2063877.

NC_000023.10:g.(?_32827600)_(33038327_?)del

Gene: DMD (dystrophin; minus strand). Cytogenetic location: Xp21.1.
Variant type: Deletion.
Identifiers: ClinVar variation 1069566 (VCV001069566.1).